The following is an entry in ClinVar:

ClinVar aggregate classification (germline): Likely pathogenic (0 of 4 stars; one submission).

Conditions:
beta Thalassemia (BTHAL). Also called: Cooley's anemia; Erythroblastic anemia; Mediterranean anemia. Identifiers: Orphanet 848, MedGen C0005283, MONDO:0019402. Disease mechanism: loss of function.

Submission:

Biochemistry Research Laboratory, All India Institute of Medical Sciences, Bilaspur Hp
Classification: Likely pathogenic for beta Thalassemia. Review status: no assertion criteria provided. Collection method: research. Allele origin: inherited. Inheritance: Autosomal recessive inheritance. Affected: yes. Observed: 2 variant alleles.
Comment: We report the first documented case of the Hb Oslo variant [HBB:c.127T>A; β42(CD1)Phe→Ile] in an Indian family and only the second reported case of Hb Oslo globally. Homology-based 3D structural modeling, validated by Ramachandran plot, VERIFY3D, and PROCHECK indicated that Hb Oslo variant disrupts key hydrophobic interactions within the β-globin heme pocket, likely compromising heme stabilization and oxygen-binding efficiency. Furthermore, in addition to the Hb Oslo variant, we identified the IVS 1-5 G>C [HBB:c.92+5G>C] splicing mutation in two siblings from a single Indian family, resulting in a novel compound heterozygous combination of two HBB gene mutations: IVS 1-5 G>C and Hb Oslo [HBB:c.127T>A] detected through ARMS-PCR and Sanger sequencing. While each variant alone is typically associated with a mild or carrier phenotype in the heterozygous state, their co-inheritance was associated with a phenotypic shift from non–transfusion-dependent thalassemia (NTDT) to transfusion-dependent thalassemia (TDT), suggesting a possible synergistic effect between the splicing mutation (IVS 1-5 G>C) and the structural mutation (Hb Oslo). This is the first report of such a genetic combination providing new insights into the complex genotype-phenotype correlation in β-thalassemia.These findings emphasize the importance of comprehensive molecular screening, especially in cases with atypical severity and highlight the need for effective carrier detection, genetic counseling, and prenatal diagnosis in high-prevalence regions. DOI: DOI 10.1007/s12013-026-02003-5

Literature cited by the submitters: PubMed 41557141.

NM_000518.5(HBB):c.127T>A (p.Phe43Ile)

Genes: HBB (hemoglobin subunit beta; minus strand), LOC106099062 (HBB recombination region; plus strand), LOC107133510 (origin of replication at HBB; plus strand). Cytogenetic location: 11p15.4.
Variant type: single nucleotide variant.
Coding change: c.127T>A on transcript NM_000518.5 (MANE Select); coding-DNA position 127, T replaced by A.
Protein change: p.Phe43Ile; replaces phenylalanine 43 with isoleucine.
Molecular consequence: missense variant.
Genome position (GRCh38, 1-based): chr11:5,226,765, A>T on the plus strand (T>A on the coding strand, the complement: HBB is on the minus strand). VCF-style: chr11-5226765-A-T. GRCh37 (hg19) VCF-style: chr11-5247995-A-T.
Other names: Hb Oslo; short protein forms F43I.
Identifiers: ClinVar variation 4795169 (VCV004795169.1).